The following is an entry in ClinVar:

NC_000023.10:g.(?_76944291)_(76972740_?)del

Gene: ATRX (ATRX chromatin remodeler; minus strand). Cytogenetic location: Xq21.1.
Variant type: Deletion.
Identifiers: ClinVar variation 640984 (VCV000640984.2).

ClinVar aggregate classification (germline): Pathogenic (1 of 4 stars; one submission).

Conditions:
Alpha thalassemia-X-linked intellectual disability syndrome (ATRX). Also called: ALPHA-THALASSEMIA/IMPAIRED INTELLECTUAL DEVELOPMENT SYNDROME, X-LINKED; ALPHA-THALASSEMIA/MENTAL RETARDATION SYNDROME, X-LINKED; ATR, NONDELETION TYPE; X-linked alpha-thalassemia-mental retardation syndrome; ATR-X syndrome; Alpha thalassemia mental retardation syndrome, nondeletion type, X-linked. Identifiers: Orphanet 847, MedGen C1845055, MONDO:0010519, OMIM 301040.

Submission:

Labcorp Genetics (formerly Invitae), Labcorp
Classification: Pathogenic for Alpha thalassemia-X-linked intellectual disability syndrome. Last evaluated: 2018-12-24. Review status: criteria provided, single submitter. Criteria: Invitae Variant Classification Sherloc (09022015). Collection method: clinical testing. Allele origin: germline.
Comment: This variant is an out-of-frame deletion of the genomic region encompassing exons 2-7 of the ATRX gene. This is expected to create a premature translational stop signal and result in an absent or disrupted protein product. This variant has not been reported in the literature in individuals with ATRX-related conditions. Loss-of-function variants in ATRX are known to be pathogenic (PMID: 18409179, 23681356). For these reasons, this variant has been classified as Pathogenic.

Literature cited by the submitters: PubMed 18409179; PubMed 23681356.